The following is an entry in ClinVar:

NM_000454.5(SOD1):c.388G>C (p.Gly130Arg)

Gene: SOD1 (superoxide dismutase 1; plus strand). Cytogenetic location: 21q22.11.
Variant type: single nucleotide variant.
Coding change: c.388G>C on transcript NM_000454.5 (MANE Select); coding-DNA position 388, G replaced by C.
Protein change: p.Gly130Arg; replaces glycine 130 with arginine.
Molecular consequence: missense variant.
Genome position (GRCh38, 1-based): chr21:31,668,501, G>C. VCF-style: chr21-31668501-G-C. GRCh37 (hg19) VCF-style: chr21-33040814-G-C.
Other names: short protein forms G130R.
Identifiers: ClinVar variation 2727345 (VCV002727345.4), dbSNP rs1464048449, ClinGen allele CA410037693.

ClinVar aggregate classification (germline): Uncertain significance. Review status: criteria provided, multiple submitters, no conflicts (2 of 4 stars). 2 submissions from 2 submitters: Uncertain significance (2). Last evaluated 2025-11-17.

Conditions:
Amyotrophic lateral sclerosis type 1 (ALS1). Also called: AMYOTROPHIC LATERAL SCLEROSIS 1, FAMILIAL. Identifiers: Orphanet 803, MedGen C1862939, MONDO:0007103, OMIM 105400.

Submissions (2):

Labcorp Genetics (formerly Invitae), Labcorp
Classification: Uncertain significance for Amyotrophic lateral sclerosis type 1. Last evaluated: 2025-11-17. Review status: criteria provided, single submitter. Criteria: Invitae Variant Classification Sherloc (09022015). Collection method: clinical testing. Allele origin: germline.
Comment: This sequence change replaces glycine, which is neutral and non-polar, with arginine, which is basic and polar, at codon 130 of the SOD1 protein (p.Gly130Arg). This variant is not present in population databases (gnomAD no frequency). This variant has not been reported in the literature in individuals affected with SOD1-related conditions. ClinVar contains an entry for this variant (Variation ID: 2727345). Invitae Evidence Modeling of protein sequence and biophysical properties (such as structural, functional, and spatial information, amino acid conservation, physicochemical variation, residue mobility, and thermodynamic stability) indicates that this missense variant is expected to disrupt SOD1 protein function with a positive predictive value of 95%. In summary, the available evidence is currently insufficient to determine the role of this variant in disease. Therefore, it has been classified as a Variant of Uncertain Significance.

GeneDx
Classification: Uncertain significance. Last evaluated: 2023-05-25. Review status: criteria provided, single submitter. Criteria: GeneDx Variant Classification Process June 2021. Collection method: clinical testing. Allele origin: germline. Affected: yes.
Comment: Not observed at significant frequency in large population cohorts (gnomAD); In silico analysis supports that this missense variant has a deleterious effect on protein structure/function; Has not been previously published as pathogenic or benign to our knowledge